The following is an entry in ClinVar:

ClinVar aggregate classification (germline): Uncertain significance (1 of 4 stars; one submission).

Submission:

GeneDx
Classification: Uncertain significance. Last evaluated: 2023-01-26. Review status: criteria provided, single submitter. Criteria: GeneDx Variant Classification Process June 2021. Collection method: clinical testing. Allele origin: germline. Affected: yes.
Comment: Not observed at significant frequency in large population cohorts (gnomAD); Canonical splice site variant in a gene or region of a gene for which loss of function is not a well-established mechanism of disease; Has not been previously published as pathogenic or benign to our knowledge

NM_001387430.1(SH2B1):c.1726-1G>A

Gene: SH2B1 (SH2B adaptor protein 1; plus strand). Cytogenetic location: 16p11.2.
Variant type: single nucleotide variant.
Coding change: c.1726-1G>A on transcript NM_001387430.1 (MANE Select); the canonical splice acceptor site of the intron before coding-DNA position 1726, G replaced by A.
Molecular consequence: splice acceptor variant.
Genome position (GRCh38, 1-based): chr16:28,872,533, G>A. VCF-style: chr16-28872533-G-A. GRCh37 (hg19) VCF-style: chr16-28883854-G-A.
Other names: c.1726-1G>A (NM_001308293.2, NM_001387404.1, NM_015503.3 and 4 more transcripts); c.718-1G>A (NM_001308294.2).
Identifiers: ClinVar variation 2574481 (VCV002574481.1), dbSNP rs2544890246, ClinGen allele CA395396053.
Genomic context (GRCh38, chr16:28,872,533, plus strand): 5'-AGGGGGTTTGTACCTGGCAGGGCCTTTGCCTCCTACCTCACCTCCCCCATCCCGCCCTCA[G>A]CACCTGCGTTTGTCGCTGAACGAGGAGGGTCAGTGCCGGGTCCAGCACCTGTGGTTCCAG-3'